The following is an entry in ClinVar:

NM_018486.3(HDAC8):c.857A>G (p.Lys286Arg)

Gene: HDAC8 (histone deacetylase 8; minus strand). Cytogenetic location: Xq13.1.
Variant type: single nucleotide variant.
Coding change: c.857A>G on transcript NM_018486.3 (MANE Select); coding-DNA position 857, A replaced by G.
Protein change: p.Lys286Arg; replaces lysine 286 with arginine.
Molecular consequence: missense variant. On other transcripts: non-coding transcript variant (5).
Genome position (GRCh38, 1-based): chrX:72,464,612, T>C on the plus strand (A>G on the coding strand, the complement: HDAC8 is on the minus strand). VCF-style: chrX-72464612-T-C. GRCh37 (hg19) VCF-style: chrX-71684462-T-C.
Other names: c.584A>G, p.Lys195Arg (NM_001166418.2, NM_001410728.1); c.857A>G, p.Lys286Arg (NM_001410725.1, NM_001410729.1); c.779A>G, p.Lys260Arg (NM_001410727.1); c.557A>G, p.Lys186Arg (NM_001441234.1); short protein forms K186R, K195R, K260R, K286R.
Identifiers: ClinVar variation 4281262 (VCV004281262.7).
Genomic context (GRCh38, chrX:72,464,612, plus strand): 5'-TACTCACCTCCTCCCAAAATGAGTGTTGCCAACTGCCATTGAAGGATGTACTTAAGACAC[T>C]TGCCAATTCCCACTGGAGTCATGTTAAAGGAGCACATGGGATCCCCAGCTATTGTGTCAG-3'
Protein context (NP_060956.1, residues 276-296): SFNMTPVGIG[Lys286Arg]CLKYILQWQL

ClinVar aggregate classification (germline): Uncertain significance (1 of 4 stars; one submission).

gnomAD v4.1: 1 of 1,209,052 alleles (0.000083%); highest among the groups gnomAD compares: Non-Finnish European, 0.00011%; no homozygotes.

Submission:

CeGaT Center for Human Genetics Tuebingen
Classification: Uncertain significance. Last evaluated: 2025-11-01. Review status: criteria provided, single submitter. Criteria: CeGaT Center For Human Genetics Tuebingen Variant Classification Criteria Version 2. Collection method: clinical testing. Allele origin: germline. Affected: yes. Observed: 1 variant allele.
Comment: HDAC8: PM2, BP4